The following is an entry in ClinVar:

ClinVar aggregate classification (germline): Likely benign. Review status: criteria provided, multiple submitters, no conflicts (2 of 4 stars). 2 submissions from 2 submitters: Likely benign (2). Last evaluated 2024-10-04.

Conditions:
MYO5B-related disorder. Also called: MYO5B-related condition.

Allele frequency attached by ClinVar (database versions not stated): gnomAD 0.00001; TOPMed 0.00003.
gnomAD v4.1: 5 of 1,614,220 alleles (0.00031%); highest among the groups gnomAD compares: African/African-American, 0.0027%; no homozygotes.

Submissions (2):

PreventionGenetics, part of Exact Sciences
Classification: Likely benign for MYO5B-related condition. Last evaluated: 2024-10-04. Review status: criteria provided, single submitter. Criteria: ACMG Guidelines, 2015. Collection method: clinical testing. Allele origin: germline.
Comment: This variant is classified as likely benign based on ACMG/AMP sequence variant interpretation guidelines (Richards et al. 2015 PMID: 25741868, with internal and published modifications).

Labcorp Genetics (formerly Invitae), Labcorp
Classification: Likely benign. Last evaluated: 2024-05-25. Review status: criteria provided, single submitter. Criteria: Invitae Variant Classification Sherloc (09022015). Collection method: clinical testing. Allele origin: germline.

NM_001080467.3(MYO5B):c.3987C>T (p.Leu1329=)

Gene: MYO5B (myosin VB; minus strand). Cytogenetic location: 18q21.1.
Variant type: single nucleotide variant.
Coding change: c.3987C>T on transcript NM_001080467.3 (MANE Select); coding-DNA position 3987, C replaced by T.
Protein change: p.Leu1329=; no amino-acid change (leucine 1329 retained).
Molecular consequence: synonymous variant.
Genome position (GRCh38, 1-based): chr18:49,856,848, G>A on the plus strand (C>T on the coding strand, the complement: MYO5B is on the minus strand). VCF-style: chr18-49856848-G-A. GRCh37 (hg19) VCF-style: chr18-47383218-G-A.
Other names: c.3987C>T (NM_001080467.2).
Identifiers: ClinVar variation 2192754 (VCV002192754.5), dbSNP rs749099123, ClinGen allele CA8960495.